The following is an entry in ClinVar:

NM_006218.4(PIK3CA):c.176A>C (p.His59Pro)

Gene: PIK3CA (phosphatidylinositol-4,5-bisphosphate 3-kinase catalytic subunit alpha; plus strand). Cytogenetic location: 3q26.32.
Variant type: single nucleotide variant.
Coding change: c.176A>C on transcript NM_006218.4 (MANE Select); coding-DNA position 176, A replaced by C.
Protein change: p.His59Pro; replaces histidine 59 with proline.
Molecular consequence: missense variant.
Genome position (GRCh38, 1-based): chr3:179,199,001, A>C. VCF-style: chr3-179199001-A-C. GRCh37 (hg19) VCF-style: chr3-178916789-A-C.
Other names: short protein forms H59P.
Identifiers: ClinVar variation 936841 (VCV000936841.10), dbSNP rs1480626654, ClinGen allele CA355271609.
Genomic context (GRCh38, chr3:179,199,001, plus strand): 5'-AGGCTACATTAATAACCATAAAGCATGAACTATTTAAAGAAGCAAGAAAATACCCCCTCC[A>C]TCAACTTCTTCAAGATGAATCTTCTTACATTTTCGTAAGTGTTACTCAAGAAGCAGAAAG-3'
Protein context (NP_006209.2, residues 49-69): LFKEARKYPL[His59Pro]QLLQDESSYI

ClinVar aggregate classification (germline): Uncertain significance (1 of 4 stars; one submission).

Conditions:
Cowden syndrome (CS). Also called: Cowden's disease; Cowden's syndrome; Cowden disease. Identifiers: Orphanet 201, MedGen C0018553, MONDO:0016063. Disease mechanism: gain of function.

Allele frequency attached by ClinVar (database versions not stated): gnomAD exomes below 0.00001; gnomAD 0.00001; TOPMed 0.00002.
gnomAD v4.1: 13 of 1,613,256 alleles (0.00081%); highest among the groups gnomAD compares: Non-Finnish European, 0.001%; no homozygotes.

Submission:

Labcorp Genetics (formerly Invitae), Labcorp
Classification: Uncertain significance for Cowden syndrome. Last evaluated: 2023-03-03. Review status: criteria provided, single submitter. Criteria: Invitae Variant Classification Sherloc (09022015). Collection method: clinical testing. Allele origin: germline.
Comment: Advanced modeling of protein sequence and biophysical properties (such as structural, functional, and spatial information, amino acid conservation, physicochemical variation, residue mobility, and thermodynamic stability) has been performed at Invitae for this missense variant, however the output from this modeling did not meet the statistical confidence thresholds required to predict the impact of this variant on PIK3CA protein function. In summary, the available evidence is currently insufficient to determine the role of this variant in disease. Therefore, it has been classified as a Variant of Uncertain Significance. ClinVar contains an entry for this variant (Variation ID: 936841). This variant has not been reported in the literature in individuals affected with PIK3CA-related conditions. This variant is present in population databases (no rsID available, gnomAD 0.0008%). This sequence change replaces histidine, which is basic and polar, with proline, which is neutral and non-polar, at codon 59 of the PIK3CA protein (p.His59Pro).